The following is an entry in ClinVar:

ClinVar aggregate classification (germline): Pathogenic (1 of 4 stars; one submission).

Conditions:
Progressive myoclonic epilepsy type 3. Also called: EPILEPSY, PROGRESSIVE MYOCLONIC, 3, WITHOUT INTRACELLULAR INCLUSIONS; KCTD7-Related Progressive Myoclonic Epilepsy; EPILEPSY, PROGRESSIVE MYOCLONIC, 3, WITH OR WITHOUT INTRACELLULAR INCLUSIONS; CEROID LIPOFUSCINOSIS, NEURONAL, 14. Identifiers: Orphanet 263516, MedGen C2673257, MONDO:0012721, OMIM 611726.

Allele frequency attached by ClinVar (database versions not stated): gnomAD exomes below 0.00001.
gnomAD v4.1: 5 of 1,614,210 alleles (0.00031%); highest among the groups gnomAD compares: South Asian, 0.0011%; no homozygotes.

Submission:

Labcorp Genetics (formerly Invitae), Labcorp
Classification: Pathogenic for Progressive myoclonic epilepsy type 3. Last evaluated: 2024-06-09. Review status: criteria provided, single submitter. Criteria: Invitae Variant Classification Sherloc (09022015). Collection method: clinical testing. Allele origin: germline.
Comment: This sequence change creates a premature translational stop signal (p.Arg123*) in the KCTD7 gene. It is expected to result in an absent or disrupted protein product. Loss-of-function variants in KCTD7 are known to be pathogenic (PMID: 22693283). This variant is present in population databases (rs367608044, gnomAD 0.003%). This variant has not been reported in the literature in individuals affected with KCTD7-related conditions. ClinVar contains an entry for this variant (Variation ID: 2164909). For these reasons, this variant has been classified as Pathogenic.

Literature cited by the submitters: PubMed 22693283.

NM_153033.5(KCTD7):c.367C>T (p.Arg123Ter)

Gene: KCTD7 (potassium channel tetramerization domain containing 7; plus strand). Cytogenetic location: 7q11.21.
Variant type: single nucleotide variant.
Coding change: c.367C>T on transcript NM_153033.5 (MANE Select); coding-DNA position 367, C replaced by T.
Protein change: p.Arg123Ter; replaces arginine 123 with a stop codon.
Molecular consequence: nonsense.
Genome position (GRCh38, 1-based): chr7:66,638,305, C>T. VCF-style: chr7-66638305-C-T. GRCh37 (hg19) VCF-style: chr7-66103292-C-T.
Other names: c.367C>T, p.Arg123Ter (NM_001167961.2); short protein forms R123*.
Identifiers: ClinVar variation 2164909 (VCV002164909.4), dbSNP rs367608044, ClinGen allele CA160220199.